The following is an entry in ClinVar:

ClinVar aggregate classification (germline): Likely pathogenic (0 of 4 stars; one submission).

Conditions:
MNX1-related disorder. Also called: MNX1-related condition.

Submission:

PreventionGenetics, part of Exact Sciences
Classification: Likely pathogenic for MNX1-related condition. Last evaluated: 2024-03-26. Review status: no assertion criteria provided. Collection method: clinical testing. Allele origin: germline.
Comment: The MNX1 c.733C>T variant is predicted to result in the amino acid substitution p.Arg245Cys. To our knowledge, this variant has not been reported in literature or public databases. The p.Arg245 residue is located in the homeobox (domain), which is the hotspot of pathogenic missense variants in this gene (Hagan et al. 2000. PubMed ID: 10749657). Of note, two different substitutions at the same codon (p.Arg245His and p.Arg245Gly) have been reported to be pathogenic for Currarino syndrome (reported as R247H and R247G at Hagan et al. 2000. PubMed ID: 10749657). Therefore, we classify the p.Arg245Cys variant in this patient as likely pathogenic.

NM_005515.4(MNX1):c.733C>T (p.Arg245Cys)

Genes: MNX1 (motor neuron and pancreas homeobox 1; minus strand), MNX1-AS2 (MNX1 antisense RNA 2; plus strand). Cytogenetic location: 7q36.3.
Variant type: single nucleotide variant.
Coding change: c.733C>T on transcript NM_005515.4 (MANE Select); coding-DNA position 733, C replaced by T.
Protein change: p.Arg245Cys; replaces arginine 245 with cysteine.
Molecular consequence: missense variant.
Genome position (GRCh38, 1-based): chr7:157,006,598, G>A on the plus strand (C>T on the coding strand, the complement: MNX1 is on the minus strand). VCF-style: chr7-157006598-G-A. GRCh37 (hg19) VCF-style: chr7-156799292-G-A.
Other names: c.97C>T, p.Arg33Cys (NM_001165255.2); short protein forms R245C, R33C.
Identifiers: ClinVar variation 3350665 (VCV003350665.1).